The following is an entry in ClinVar:

NM_001267550.2(TTN):c.1819A>G (p.Lys607Glu)

Gene: TTN (titin; minus strand). Cytogenetic location: 2q31.2.
Variant type: single nucleotide variant.
Coding change: c.1819A>G on transcript NM_001267550.2 (MANE Select); coding-DNA position 1819, A replaced by G.
Protein change: p.Lys607Glu; replaces lysine 607 with glutamic acid.
Molecular consequence: missense variant.
Genome position (GRCh38, 1-based): chr2:178,790,097, T>C on the plus strand (A>G on the coding strand, the complement: TTN is on the minus strand). VCF-style: chr2-178790097-T-C. GRCh37 (hg19) VCF-style: chr2-179654824-T-C.
Other names: c.1819A>G, p.Lys607Glu (NM_001256850.1, NM_133378.4, NM_133379.5); c.1681A>G, p.Lys561Glu (NM_003319.4, NM_133432.3, NM_133437.4); short protein forms K561E, K607E.
Identifiers: ClinVar variation 1777918 (VCV001777918.3), dbSNP rs2533777294, ClinGen allele CA349507378.

ClinVar aggregate classification (germline): Conflicting classifications of pathogenicity. Review status: criteria provided, conflicting classifications (1 of 4 stars). 2 submissions from 2 submitters: Uncertain significance (1); Likely benign (1). Last evaluated 2021-11-16.

Conditions:
Cardiovascular phenotype. Identifiers: MedGen CN230736.

Allele frequency attached by ClinVar (database versions not stated): gnomAD exomes below 0.00001.
gnomAD v4.1: 1 of 1,612,872 alleles (0.000062%); highest among the groups gnomAD compares: Non-Finnish European, 0.000085%; no homozygotes.

Submissions (2):

Blueprint Genetics
Classification: Likely benign. Last evaluated: 2021-11-16. Review status: criteria provided, single submitter. Criteria: ACMG Guidelines, 2015. Collection method: clinical testing. Allele origin: germline.

Ambry Genetics
Classification: Uncertain significance for Cardiovascular phenotype. Last evaluated: 2020-09-15. Review status: criteria provided, single submitter. Criteria: Ambry Variant Classification Scheme 2023. Collection method: clinical testing. Allele origin: germline.
Comment: The p.K561E variant (also known as c.1681A>G), located in coding exon 10 of the TTN gene, results from an A to G substitution at nucleotide position 1681. The lysine at codon 561 is replaced by glutamic acid, an amino acid with similar properties. This amino acid position is highly conserved in available vertebrate species. In addition, the in silico prediction for this alteration is inconclusive. Since supporting evidence is limited at this time, the clinical significance of this alteration remains unclear.